The following is an entry in ClinVar:

NM_000291.4(PGK1):c.839T>G (p.Ile280Ser)

Gene: PGK1 (phosphoglycerate kinase 1; plus strand). Cytogenetic location: Xq21.1.
Variant type: single nucleotide variant.
Coding change: c.839T>G on transcript NM_000291.4 (MANE Select); coding-DNA position 839, T replaced by G.
Protein change: p.Ile280Ser; replaces isoleucine 280 with serine.
Molecular consequence: missense variant.
Genome position (GRCh38, 1-based): chrX:78,123,277, T>G. VCF-style: chrX-78123277-T-G. GRCh37 (hg19) VCF-style: chrX-77378774-T-G.
Other names: short protein forms I280S.
Identifiers: ClinVar variation 2745715 (VCV002745715.3), dbSNP rs2522502857, ClinGen allele CA413716638.

ClinVar aggregate classification (germline): Uncertain significance (1 of 4 stars; one submission).

Submission:

Labcorp Genetics (formerly Invitae), Labcorp
Classification: Uncertain significance. Last evaluated: 2023-10-03. Review status: criteria provided, single submitter. Criteria: Invitae Variant Classification Sherloc (09022015). Collection method: clinical testing. Allele origin: germline.
Comment: This sequence change replaces isoleucine, which is neutral and non-polar, with serine, which is neutral and polar, at codon 280 of the PGK1 protein (p.Ile280Ser). This variant is not present in population databases (gnomAD no frequency). This variant has not been reported in the literature in individuals affected with PGK1-related conditions. Advanced modeling of protein sequence and biophysical properties (such as structural, functional, and spatial information, amino acid conservation, physicochemical variation, residue mobility, and thermodynamic stability) performed at Invitae indicates that this missense variant is expected to disrupt PGK1 protein function. In summary, the available evidence is currently insufficient to determine the role of this variant in disease. Therefore, it has been classified as a Variant of Uncertain Significance.